The following is an entry in ClinVar:

NM_006005.3(WFS1):c.2108G>A (p.Arg703His)

Gene: WFS1 (wolframin ER transmembrane glycoprotein; plus strand). Cytogenetic location: 4p16.1.
Variant type: single nucleotide variant.
Coding change: c.2108G>A on transcript NM_006005.3 (MANE Select); coding-DNA position 2108, G replaced by A.
Protein change: p.Arg703His; replaces arginine 703 with histidine.
Molecular consequence: missense variant.
Genome position (GRCh38, 1-based): chr4:6,301,903, G>A. VCF-style: chr4-6301903-G-A. GRCh37 (hg19) VCF-style: chr4-6303630-G-A.
Other names: c.2108G>A, p.Arg703His (NM_001145853.1); short protein forms R703H.
Identifiers: ClinVar variation 1297606 (VCV001297606.18), dbSNP rs1323852277, ClinGen allele CA356177732.

ClinVar aggregate classification (germline): Conflicting classifications of pathogenicity. Review status: criteria provided, conflicting classifications (1 of 4 stars). 10 submissions from 10 submitters: Likely pathogenic (3); Uncertain significance (5). 2 of the submissions do not count toward it. Last evaluated 2026-03-19.

Conditions:
Inborn genetic diseases. Identifiers: MedGen C0950123, MeSH D030342.
Autosomal dominant nonsyndromic hearing loss 6 (LFSNHL). Also called: DEAFNESS, AUTOSOMAL DOMINANT 6; DEAFNESS, AUTOSOMAL DOMINANT 14; DEAFNESS, AUTOSOMAL DOMINANT 38; Autosomal dominant nonsyndromic deafness 6. Identifiers: Orphanet 90635, MedGen C1833021, MONDO:0010963, OMIM 600965.
Wolfram-like syndrome. Also called: HEARING LOSS, PROGRESSIVE, WITH OPTIC ATROPHY AND/OR IMPAIRED GLUCOSE REGULATION. Identifiers: Orphanet 411590, MedGen C3280358, MONDO:0013673, OMIM 614296.
Monogenic hearing loss.
Dystonic disorder. Also called: Dystonia. Identifiers: MedGen C0013421, MONDO:0003441, HP:0001332.
Wolfram syndrome 1 (WFS1). Identifiers: Orphanet 3463, MedGen C4551693, MONDO:0009101, OMIM 222300.
Cataract 41 (CTRCT41). Also called: CATARACT 41, CONGENITAL NUCLEAR TYPE. Identifiers: Orphanet 91492, Orphanet 98991, Orphanet 98992, Orphanet 98995, MedGen C3805412, MONDO:0007287, OMIM 116400.
Type 2 diabetes mellitus. Also called: Type II diabetes mellitus. Identifiers: MedGen C0011860, MeSH D003924, MONDO:0005148, OMIM 125853, HP:0005978.

Allele frequency attached by ClinVar (database versions not stated): gnomAD 0.00001.

Submissions (10):

Genetics Laboratory, Great Ormond Street Hospital NHS Foundation Trust, North Thames Genomic Laboratory Hub
Classification: Likely pathogenic for Monogenic hearing loss. Last evaluated: 2026-03-19. Review status: criteria provided, single submitter. Criteria: ACGS Best Practice Guidelines for Variant Classification in Rare Disease 2024 v1.2. Collection method: clinical testing. Allele origin: germline. Affected: yes.
Comment: PS4_moderate, PM2_moderate, PP3_supporting, PP4_supporting

Ambry Genetics
Classification: Uncertain significance for Inborn genetic diseases. Last evaluated: 2026-01-12. Review status: criteria provided, single submitter. Criteria: Ambry Variant Classification Scheme 2023. Collection method: clinical testing. Allele origin: germline.
Comment: The c.2108G>A (p.R703H) alteration is located in exon 8 (coding exon 7) of the WFS1 gene. This alteration results from a G to A substitution at nucleotide position 2108, causing the arginine (R) at amino acid position 703 to be replaced by a histidine (H). Based on data from gnomAD, the A allele has an overall frequency of 0.003% (1/31394) total alleles studied. The highest observed frequency was 0.007% (1/15430) of European (non-Finnish) alleles. This variant was reported as heterozygous in individuals with features consistent with Wolfram-like syndrome (Sun, 2011; Garc&iacute;a-Garc&iacute;a, 2020, Usami, 2022). This amino acid position is highly conserved in available vertebrate species. This alteration is predicted to be deleterious by in silico analysis. Based on insufficient or conflicting evidence, the clinical significance of this alteration remains unclear.

Labcorp Genetics (formerly Invitae), Labcorp
Classification: Uncertain significance. Last evaluated: 2025-05-04. Review status: criteria provided, single submitter. Criteria: Invitae Variant Classification Sherloc (09022015). Collection method: clinical testing. Allele origin: germline.
Comment: This sequence change replaces arginine, which is basic and polar, with histidine, which is basic and polar, at codon 703 of the WFS1 protein (p.Arg703His). This variant is present in population databases (no rsID available, gnomAD 0.007%). This missense change has been observed in individual(s) with non-syndromic deafness (PMID: 21356526, 33297549). ClinVar contains an entry for this variant (Variation ID: 1297606). Invitae Evidence Modeling of protein sequence and biophysical properties (such as structural, functional, and spatial information, amino acid conservation, physicochemical variation, residue mobility, and thermodynamic stability) has been performed for this missense variant. However, the output from this modeling did not meet the statistical confidence thresholds required to predict the impact of this variant on WFS1 protein function. In summary, the available evidence is currently insufficient to determine the role of this variant in disease. Therefore, it has been classified as a Variant of Uncertain Significance.

Dasa
Classification: Uncertain significance for Autosomal dominant nonsyndromic hearing loss 6. Last evaluated: 2025-04-23. Review status: criteria provided, single submitter. Criteria: DASA Assertion Criteria. Collection method: clinical testing. Allele origin: germline.
Comment: NM_006005.3(WFS1):c.2108G>A (p.Arg703His) is a missense variant that results in the substitution of arginine with histidine. This variant has been recurrently observed in individuals with WFS1-related disorders (PMID: 21356526; PMID: 33297549). Also, this variant is rare in population databases. Computational prediction algorithms are consistent with a deleterious effect. The currently available literature and clinical evidence are not sufficient to establish a definitive association between this variant and the reported condition. Therefore, this variant is classified as a variant of uncertain significance.

Institute for Clinical Genetics, University Hospital TU Dresden, University Hospital TU Dresden
Classification: Likely pathogenic for Wolfram-like syndrome. Last evaluated: 2024-01-11. Review status: criteria provided, single submitter. Criteria: ACMG Guidelines, 2015. Collection method: clinical testing. Allele origin: germline. Affected: yes.
Comment: The missense variant in the WFS1 gene (NM_006005.3:c.2108G>A, p.(Arg703His)) leads to an amino acid exchange at position 703 in the corresponding protein due to a base exchange at position 2108 of the cDNA. The gene empirically shows no increased sensitivity to missense variants (Z-score -4.71, PMID: 27535533). The variant localizes to the functionally relevant cysteine-rich domain (666-769aa), in which numerous other pathogenic missense variants cluster. Bioinformatic prediction algorithms estimate the effect of the variant on protein function as low (REVEL score 0.729, PMID: 27666373), but an actual effect has not yet been functionally investigated. The variant was classified in the ClinVar database 3 times as a variant of unclear significance and 2 times as probably pathogenic. Upon personal inquiry of both laboratories from the ClinVar database with probable pathogenic evaluation of the variant, we were informed that the variant has already been detected de novo in a person with hearing loss (personal communication with Clinical Genetics, Erasmus MC, University Medical Center Rotterdam, Netherlands). The other laboratory reported that the variant was detected in a total of four individuals from two families with low-frequency hearing loss (personal communication with the Department of Human Genetics, Radboud University Nijmegen Medical Center, Netherlands). In the literature, the variant was described as causing disease in one individual with sporadic, non-syndromic, low-frequency hearing loss (PMID: 21356526). In the population database gnomAD v4.1.0, the variant is listed 2 times, 0 of which are homozygous. According to current ACMG recommendations for variant evaluation (PMID 25741868), the criteria PS4_SUP, PM1, PM2_SUP, PM6 and PP3 are fulfilled, resulting in a reassessment as a probably pathogenic variant (ACMG class 4).

AURAGEN, Plan France Médecine Génomique
Classification: Likely pathogenic for Dystonic disorder. Last evaluated: 2022-02-15. Review status: criteria provided, single submitter. Criteria: PFMG2025 (Lancet Reg Health Eur. 2025). Collection method: clinical testing. Allele origin: germline. Affected: yes.

Fulgent Genetics
Classification: Uncertain significance for Cataract 41; Type 2 diabetes mellitus; Wolfram syndrome 1; Autosomal dominant nonsyndromic hearing loss 6; Wolfram-like syndrome. Last evaluated: 2021-12-24. Review status: criteria provided, single submitter. Criteria: ACMG Guidelines, 2015. Collection method: clinical testing. Allele origin: unknown.

GeneDx
Classification: Uncertain significance. Last evaluated: 2021-06-07. Review status: criteria provided, single submitter. Criteria: GeneDx Variant Classification Process June 2021. Collection method: clinical testing. Allele origin: germline. Affected: yes.
Comment: Not observed at significant frequency in large population cohorts (Lek et al., 2016); In silico analysis supports that this missense variant does not alter protein structure/function; This variant is associated with the following publications: (PMID: 33297549, 21356526, 27535533)

Clinical Genetics DNA and cytogenetics Diagnostics Lab, Erasmus MC, Erasmus Medical Center
Classification: Likely pathogenic. Review status: no assertion criteria provided. Collection method: clinical testing. Allele origin: germline. Affected: yes. Study: VKGL Data-share Consensus. Not counted in ClinVar's aggregate classification.

Joint Genome Diagnostic Labs from Nijmegen and Maastricht, Radboudumc and MUMC+
Classification: Likely pathogenic. Review status: no assertion criteria provided. Collection method: clinical testing. Allele origin: germline. Affected: yes. Study: VKGL Data-share Consensus. Not counted in ClinVar's aggregate classification.

Literature cited by the submitters: PubMed 21356526 (cited by 3 submitters); PubMed 33297549 (cited by 3 submitters); PubMed 34599366 (cited by Ambry Genetics).